The following is an entry in ClinVar:

ClinVar aggregate classification (germline): Conflicting classifications of pathogenicity. Review status: criteria provided, conflicting classifications (1 of 4 stars). 5 submissions from 5 submitters: Uncertain significance (3); Likely benign (1). 1 of the submissions does not count toward it. Last evaluated 2025-12-28.

Conditions:
Retinitis pigmentosa (RP). Identifiers: Orphanet 791, MedGen C0035334, MeSH D012174, MONDO:0019200, OMIM 268000. Inheritance: Autosomal dominant, autosomal recessive and X linked inheritance.
Usher syndrome type 1D (USH1D). Also called: USHER SYNDROME, TYPE ID. Identifiers: Orphanet 231169, Orphanet 886, MedGen C1832845, MONDO:0010984, OMIM 601067.
Pituitary adenoma 5, multiple types. Identifiers: MedGen C4539685, MONDO:0054601, OMIM 617540.
Autosomal recessive nonsyndromic hearing loss 12. Also called: DEAFNESS, AUTOSOMAL RECESSIVE 12. Identifiers: Orphanet 90636, MedGen C1832394, MONDO:0011067, OMIM 601386.

Allele frequency attached by ClinVar (database versions not stated): gnomAD 0.00001 and 0.00007; TOPMed 0.00003; gnomAD exomes 0.00012 and 0.00022; ExAC 0.00023; 1000 Genomes Project 30x 0.00047; 1000 Genomes Project 0.00060.
gnomAD v4.1: 185 of 1,612,890 alleles (0.011%); highest among the groups gnomAD compares: South Asian, 0.17%; 1 homozygote.

Submissions (5):

Labcorp Genetics (formerly Invitae), Labcorp
Classification: Likely benign. Last evaluated: 2025-12-28. Review status: criteria provided, single submitter. Criteria: Invitae Variant Classification Sherloc (09022015). Collection method: clinical testing. Allele origin: germline.

GeneDx
Classification: Uncertain significance. Last evaluated: 2025-07-23. Review status: criteria provided, single submitter. Criteria: GeneDx Variant Classification Process June 2021. Collection method: clinical testing. Allele origin: germline. Affected: yes.
Comment: Identified in patients with hearing loss who harbored potentially pathogenic variant(s) in additional gene(s) or no additional potentially pathogenic variant in the CDH23 gene in published literature (PMID: 29148562); Identified in a patient with an inherited retinal dystrophy in published literature (PMID: 30718709); In silico analysis supports that this missense variant has a deleterious effect on protein structure/function; This variant is associated with the following publications: (PMID: Vanniya2021[PreprintCaseReport], 34374074, 30718709, 29148562)

Blueprint Genetics
Classification: Uncertain significance. Last evaluated: 2024-06-25. Review status: criteria provided, single submitter. Criteria: ACMG Guidelines, 2015. Collection method: clinical testing. Allele origin: germline.

Fulgent Genetics
Classification: Uncertain significance for Usher syndrome type 1D; Autosomal recessive nonsyndromic hearing loss 12; Pituitary adenoma 5, multiple types. Last evaluated: 2021-09-29. Review status: criteria provided, single submitter. Criteria: ACMG Guidelines, 2015. Collection method: clinical testing. Allele origin: unknown.

Department of Clinical Genetics, Copenhagen University Hospital, Rigshospitalet
Classification: Uncertain significance for Retinitis pigmentosa. Last evaluated: 2018-04-01. Review status: no assertion criteria provided. Collection method: research. Allele origin: unknown. Affected: yes. Study: VeluxRD. Not counted in ClinVar's aggregate classification.

Literature cited by the submitters: PubMed 30718709 (cited by Department of Clinical Genetics, Copenhagen University Hospital, Rigshospitalet).

NM_022124.6(CDH23):c.2767G>A (p.Gly923Ser)

Gene: CDH23 (cadherin related 23; plus strand). Cytogenetic location: 10q22.1.
Variant type: single nucleotide variant.
Coding change: c.2767G>A on transcript NM_022124.6 (MANE Select); coding-DNA position 2767, G replaced by A.
Protein change: p.Gly923Ser; replaces glycine 923 with serine.
Molecular consequence: missense variant.
Genome position (GRCh38, 1-based): chr10:71,704,944, G>A. VCF-style: chr10-71704944-G-A. GRCh37 (hg19) VCF-style: chr10-73464701-G-A.
Other names: c.2767G>A, p.Gly923Ser (NM_001171930.2, NM_001171931.2); short protein forms G923S.
Identifiers: ClinVar variation 636216 (VCV000636216.9), dbSNP rs560251790, ClinGen allele CA5544335.